The following is an entry in ClinVar:

ClinVar aggregate classification (germline): Conflicting classifications of pathogenicity. Review status: criteria provided, conflicting classifications (1 of 4 stars). 2 submissions from 2 submitters: Likely pathogenic (1); Uncertain significance (1). Last evaluated 2025-10-13.

Allele frequency attached by ClinVar (database versions not stated): ExAC 0.00002; gnomAD exomes 0.00002 and 0.00006; TOPMed 0.00002.

Submissions (2):

Labcorp Genetics (formerly Invitae), Labcorp
Classification: Uncertain significance. Last evaluated: 2025-10-13. Review status: criteria provided, single submitter. Criteria: Invitae Variant Classification Sherloc (09022015). Collection method: clinical testing. Allele origin: germline.
Comment: This sequence change creates a premature translational stop signal (p.Val601Alafs*17) in the GHR gene. While this is not anticipated to result in nonsense mediated decay, it is expected to disrupt the last 38 amino acid(s) of the GHR protein. This variant is present in population databases (rs777688795, gnomAD 0.004%). This variant has not been reported in the literature in individuals affected with GHR-related conditions. ClinVar contains an entry for this variant (Variation ID: 1690731). Experimental studies and prediction algorithms are not available or were not evaluated, and the functional significance of this variant is currently unknown. In summary, the available evidence is currently insufficient to determine the role of this variant in disease. Therefore, it has been classified as a Variant of Uncertain Significance.

Laboratorio de Genetica e Diagnostico Molecular, Hospital Israelita Albert Einstein
Classification: Likely pathogenic. Last evaluated: 2019-11-22. Review status: criteria provided, single submitter. Criteria: ACMG Guidelines, 2015. Collection method: clinical testing. Allele origin: germline. Affected: yes.
Comment: ACMG classification criteria: PVS1, PM2

NM_000163.5(GHR):c.1802_1803del (p.Val601fs)

Gene: GHR (growth hormone receptor; plus strand). Cytogenetic location: 5p12.
Variant type: Deletion.
Coding change: c.1802_1803del on transcript NM_000163.5 (MANE Select); coding-DNA positions 1802 to 1803, 2 bases deleted (TA; older notation c.1802_1803delTA).
Protein change: p.Val601fs; shifts the reading frame from valine 601.
Molecular consequence: frameshift variant. On other transcripts: 3 prime UTR variant (1).
Genome position (GRCh38, 1-based): chr5:42,719,309-42,719,310, TA deleted. VCF-style (leftmost placement, unchanged base first): chr5-42719308-GTA-G. GRCh37 (hg19) VCF-style: chr5-42719410-GTA-G.
Other names: c.1823_1824del, p.Val608fs (NM_001242399.2); c.1802_1803del, p.Val601fs (NM_001242400.2, NM_001242401.4, NM_001242402.2 and 4 more transcripts); c.1736_1737delTA, p.Val579Alafs (NM_001242460.2); c.*844_*845del (NM_001242462.1); short protein forms V579fs, V601fs, V608fs.
Identifiers: ClinVar variation 1690731 (VCV001690731.4), dbSNP rs777688795, ClinGen allele CA3254712.